The following is an entry in ClinVar:

ClinVar aggregate classification (germline): Pathogenic. Review status: criteria provided, multiple submitters, no conflicts (2 of 4 stars). 2 submissions from 2 submitters: Pathogenic (2). Last evaluated 2023-08-18.

Conditions:
Hereditary cancer-predisposing syndrome. Also called: Tumor predisposition; Hereditary Cancer Syndrome; Hereditary neoplastic syndrome; Neoplastic Syndromes, Hereditary. Identifiers: Orphanet 140162, MedGen C0027672, MeSH D009386, MONDO:0015356.
Lynch syndrome 5 (LYNCH5). Also called: Hereditary non-polyposis colorectal cancer, type 5; Colorectal cancer, hereditary nonpolyposis, type 5. Identifiers: Orphanet 144, MedGen C1833477, MONDO:0013710, OMIM 614350. Disease mechanism: loss of function.

Submissions (2):

Myriad Genetics, Inc.
Classification: Pathogenic for Lynch syndrome 5. Last evaluated: 2023-08-18. Review status: criteria provided, single submitter. Criteria: Myriad Autosomal Dominant, Autosomal Recessive and X-Linked Classification Criteria (2023). Collection method: clinical testing. Allele origin: unknown.
Comment: This variant is considered pathogenic. This variant creates a frameshift predicted to result in premature protein truncation.

Ambry Genetics
Classification: Pathogenic for Hereditary cancer-predisposing syndrome. Last evaluated: 2023-08-03. Review status: criteria provided, single submitter. Criteria: Ambry Variant Classification Scheme 2023. Collection method: clinical testing. Allele origin: germline.
Comment: The c.2739_2742dupTACA pathogenic mutation, located in coding exon 4 of the MSH6 gene, results from a duplication of TACA at nucleotide position 2739, causing a translational frameshift with a predicted alternate stop codon (p.A915Yfs*4). This alteration is expected to result in loss of function by premature protein truncation or nonsense-mediated mRNA decay. As such, this alteration is interpreted as a disease-causing mutation.

NM_000179.3(MSH6):c.2739_2742dup (p.Ala915fs)

Gene: MSH6 (mutS homolog 6; plus strand). Cytogenetic location: 2p16.3.
Variant type: Duplication.
Coding change: c.2739_2742dup on transcript NM_000179.3 (MANE Select); coding-DNA positions 2739 to 2742, 4 bases duplicated (TACA; older notation c.2739_2742dupTACA).
Protein change: p.Ala915fs; shifts the reading frame from alanine 915.
Molecular consequence: frameshift variant. On other transcripts: non-coding transcript variant (5), intron variant (2).
Genome position (GRCh38, 1-based): chr2:47,800,722-47,800,725, TACA duplicated; duplicating any 4 consecutive bases within chr2:47,800,721-47,800,725 gives the same sequence; the c. name uses the placement nearest the transcript's 3' end. VCF-style (leftmost placement, unchanged base first): chr2-47800720-G-GATAC. GRCh37 (hg19) VCF-style: chr2-48027859-G-GATAC.
Other names: c.2349_2352dup, p.Ala785fs (NM_001281492.2); c.1833_1836dup, p.Ala613fs (NM_001281493.2, NM_001281494.2, NM_001406811.1 and 6 more transcripts); c.2835_2838dup, p.Ala947fs (NM_001406795.1, NM_001406802.1); c.2739_2742dup, p.Ala915fs (NM_001406796.1, NM_001406798.1, NM_001406800.1 and 2 more transcripts); c.2442_2445dup, p.Ala816fs (NM_001406797.1, NM_001406801.1, NM_001406805.1 and 10 more transcripts); c.2214_2217dup, p.Ala740fs (NM_001406799.1, NM_001406806.1, NM_001406807.1); c.2661_2664dup, p.Ala889fs (NM_001406804.1); c.2745_2748dup, p.Ala917fs (NM_001406813.1); and 5 more; short protein forms A816fs, A613fs, A889fs, A915fs, A230fs, A740fs, A785fs, A859fs.
Identifiers: ClinVar variation 2587337 (VCV002587337.3), dbSNP rs2530690393, ClinGen allele CA2582342393.